The following is an entry in ClinVar:

ClinVar aggregate classification (germline): Uncertain significance (1 of 4 stars; one submission).

gnomAD v4.1: 1 of 1,614,156 alleles (0.000062%); highest among the groups gnomAD compares: Non-Finnish European, 0.000085%; no homozygotes.

Submission:

Labcorp Genetics (formerly Invitae), Labcorp
Classification: Uncertain significance. Last evaluated: 2022-01-22. Review status: criteria provided, single submitter. Criteria: Invitae Variant Classification Sherloc (09022015). Collection method: clinical testing. Allele origin: germline.
Comment: This variant has not been reported in the literature in individuals affected with SETBP1-related conditions. This variant is not present in population databases (gnomAD no frequency). This sequence change replaces glycine, which is neutral and non-polar, with arginine, which is basic and polar, at codon 367 of the SETBP1 protein (p.Gly367Arg). Algorithms developed to predict the effect of missense changes on protein structure and function are either unavailable or do not agree on the potential impact of this missense change (SIFT: "Deleterious"; PolyPhen-2: "Benign"; Align-GVGD: "Class C25"). In summary, the available evidence is currently insufficient to determine the role of this variant in disease. Therefore, it has been classified as a Variant of Uncertain Significance.

NM_015559.3(SETBP1):c.1099G>A (p.Gly367Arg)

Gene: SETBP1 (SET binding protein 1; plus strand). Cytogenetic location: 18q12.3.
Variant type: single nucleotide variant.
Coding change: c.1099G>A on transcript NM_015559.3 (MANE Select); coding-DNA position 1099, G replaced by A.
Protein change: p.Gly367Arg; replaces glycine 367 with arginine.
Molecular consequence: missense variant.
Genome position (GRCh38, 1-based): chr18:44,950,439, G>A. VCF-style: chr18-44950439-G-A. GRCh37 (hg19) VCF-style: chr18-42530404-G-A.
Other names: c.1099G>A, p.Gly367Arg (NM_001379141.1, NM_001379142.1, NM_001410862.1); short protein forms G367R.
Identifiers: ClinVar variation 2089147 (VCV002089147.4), dbSNP rs1036050466, ClinGen allele CA402317758.